The following is an entry in ClinVar:

ClinVar aggregate classification (germline): Uncertain significance (1 of 4 stars; one submission).

Conditions:
Inborn genetic diseases. Identifiers: MedGen C0950123, MeSH D030342.

Submission:

Ambry Genetics
Classification: Uncertain significance for Inborn genetic diseases. Last evaluated: 2024-03-09. Review status: criteria provided, single submitter. Criteria: Ambry Variant Classification Scheme 2023. Collection method: clinical testing. Allele origin: germline.
Comment: The p.L172M variant (also known as c.514C>A), located in coding exon 5 of the RAD51 gene, results from a C to A substitution at nucleotide position 514. The leucine at codon 172 is replaced by methionine, an amino acid with highly similar properties. This amino acid position is conserved. In addition, the in silico prediction for this alteration is inconclusive. Based on the available evidence, the clinical significance of this alteration remains unclear.

NM_002875.5(RAD51):c.514C>A (p.Leu172Met)

Gene: RAD51 (RAD51 recombinase; plus strand). Cytogenetic location: 15q15.1.
Variant type: single nucleotide variant.
Coding change: c.514C>A on transcript NM_002875.5 (MANE Select); coding-DNA position 514, C replaced by A.
Protein change: p.Leu172Met; replaces leucine 172 with methionine.
Molecular consequence: missense variant.
Genome position (GRCh38, 1-based): chr15:40,718,883, C>A. VCF-style: chr15-40718883-C-A. GRCh37 (hg19) VCF-style: chr15-41011081-C-A.
Other names: c.517C>A, p.Leu173Met (NM_001164269.2, NM_133487.4); c.514C>A, p.Leu172Met (NM_001164270.2); short protein forms L172M, L173M.
Identifiers: ClinVar variation 3222856 (VCV003222856.1), dbSNP rs2504486272, ClinGen allele CA391753620.